The following is an entry in ClinVar:

NM_032119.4(ADGRV1):c.12456del (p.Gly4152_Ile4153insTer)

Gene: ADGRV1 (adhesion G protein-coupled receptor V1; plus strand). Cytogenetic location: 5q14.3.
Variant type: Deletion.
Coding change: c.12456del on transcript NM_032119.4 (MANE Select); coding-DNA position 12456, one base deleted (G; older notation c.12456delG).
Protein change: p.Gly4152_Ile4153insTer.
Molecular consequence: frameshift variant. On other transcripts: non-coding transcript variant (1).
Genome position (GRCh38, 1-based): chr5:90,776,505, G deleted; the last of 3 consecutive G bases (chr5:90,776,503-90,776,505); deleting any one gives the same sequence. VCF-style (leftmost placement, unchanged base first): chr5-90776502-TG-T. GRCh37 (hg19) VCF-style: chr5-90072319-TG-T.
Identifiers: ClinVar variation 2498974 (VCV002498974.28), dbSNP rs2531842904, ClinGen allele CA2580073743.

ClinVar aggregate classification (germline): Uncertain significance (1 of 4 stars; one submission).

Submission:

CeGaT Center for Human Genetics Tuebingen
Classification: Uncertain significance. Last evaluated: 2023-03-01. Review status: criteria provided, single submitter. Criteria: CeGaT Center For Human Genetics Tuebingen Variant Classification Criteria Version 2. Collection method: clinical testing. Allele origin: germline. Affected: yes. Observed: 1 variant allele.
Comment: ADGRV1: PM2